The following is an entry in ClinVar:

ClinVar aggregate classification (germline): Uncertain significance (1 of 4 stars; one submission).

Allele frequency attached by ClinVar (database versions not stated): gnomAD exomes below 0.00001 and 0.00001; TOPMed below 0.00001; gnomAD 0.00001.
gnomAD v4.1: 3 of 1,571,514 alleles (0.00019%); highest among the groups gnomAD compares: Admixed American, 0.0061%; no homozygotes.

Submission:

GeneDx
Classification: Uncertain significance. Last evaluated: 2023-05-05. Review status: criteria provided, single submitter. Criteria: GeneDx Variant Classification Process June 2021. Collection method: clinical testing. Allele origin: germline. Affected: yes.
Comment: In silico analysis supports that this missense variant does not alter protein structure/function; Has not been previously published as pathogenic or benign to our knowledge

NM_032229.3(SLITRK6):c.37C>T (p.Leu13Phe)

Gene: SLITRK6 (SLIT and NTRK like family member 6; minus strand). Cytogenetic location: 13q31.1.
Variant type: single nucleotide variant.
Coding change: c.37C>T on transcript NM_032229.3 (MANE Select); coding-DNA position 37, C replaced by T.
Protein change: p.Leu13Phe; replaces leucine 13 with phenylalanine.
Molecular consequence: missense variant.
Genome position (GRCh38, 1-based): chr13:85,796,472, G>A on the plus strand (C>T on the coding strand, the complement: SLITRK6 is on the minus strand). VCF-style: chr13-85796472-G-A. GRCh37 (hg19) VCF-style: chr13-86370607-G-A.
Other names: short protein forms L13F.
Identifiers: ClinVar variation 1691642 (VCV001691642.4), dbSNP rs1482288378, ClinGen allele CA388382911.